The following is an entry in ClinVar:

NM_000321.3(RB1):c.2496_2505del (p.Ser834fs)

Gene: RB1 (RB transcriptional corepressor 1; plus strand). Cytogenetic location: 13q14.2.
Variant type: Deletion.
Coding change: c.2496_2505del on transcript NM_000321.3 (MANE Select); coding-DNA positions 2496 to 2505, 10 bases deleted (AGTATCAATT; older notation c.2496_2505delAGTATCAATT).
Protein change: p.Ser834fs; shifts the reading frame from serine 834.
Molecular consequence: frameshift variant.
Genome position (GRCh38, 1-based): chr13:48,473,366-48,473,375, AGTATCAATT deleted; deleting any 10 consecutive bases within chr13:48,473,364-48,473,375 gives the same sequence; the c. name uses the placement nearest the transcript's 3' end. VCF-style (leftmost placement, unchanged base first): chr13-48473363-CTTAGTATCAA-C. GRCh37 (hg19) VCF-style: chr13-49047499-CTTAGTATCAA-C.
Other names: c.2496_2505delAGTATCAATT, p.Ser834Asnfs (NM_001407165.1); c.2496_2505del10 (NM_000321.2); short protein forms S834fs.
Identifiers: ClinVar variation 1792130 (VCV001792130.3), dbSNP rs2542381549, ClinGen allele CA2580087722.
Genomic context (GRCh38, chr13:48,473,363, plus strand): 5'-CTGCAAAATTGTATATGGTTTTTTATTACTAATTGGTATTTCATCTTAACTTGACAGAAT[CTTAGTATCAA>C]TTGGTGAATCATTCGGGGTGAGTATTTTCTTTCTATGAAATATAATAGTATGCATTGTAA-3'

ClinVar aggregate classification (germline): Pathogenic (1 of 4 stars; one submission).

Conditions:
Hereditary cancer-predisposing syndrome. Also called: Hereditary Cancer Syndrome; Hereditary neoplastic syndrome; Tumor predisposition; Neoplastic Syndromes, Hereditary. Identifiers: Orphanet 140162, MedGen C0027672, MeSH D009386, MONDO:0015356.

Submission:

Ambry Genetics
Classification: Pathogenic for Hereditary cancer-predisposing syndrome. Last evaluated: 2023-06-23. Review status: criteria provided, single submitter. Criteria: Ambry Variant Classification Scheme 2023. Collection method: clinical testing. Allele origin: germline.
Comment: The c.2496_2505del10 pathogenic mutation, located in coding exon 24 of the RB1 gene, results from a deletion of 10 nucleotides at nucleotide positions 2496 to 2505, causing a translational frameshift with a predicted alternate stop codon (p.S834Nfs*12). This alteration is expected to result in loss of function by premature protein truncation or nonsense-mediated mRNA decay. As such, this alteration is interpreted as a disease-causing mutation.